The following is an entry in ClinVar:

ClinVar aggregate classification (germline): Benign. Review status: criteria provided, multiple submitters, no conflicts (2 of 4 stars). 3 submissions from 3 submitters: Benign (2). 1 of the submissions does not count toward it. Last evaluated 2019-12-31.

Conditions:
SEMA3D-related disorder. Also called: SEMA3D-related condition.

Allele frequency attached by ClinVar (database versions not stated): gnomAD exomes 0.00076 and 0.00224; ExAC 0.00286; gnomAD 0.00843 and 0.00898; TOPMed 0.00946; 1000 Genomes Project 0.00958; ESP Exome Variant Server 0.00969; 1000 Genomes Project 30x 0.00999.
gnomAD v4.1: 2,441 of 1,592,216 alleles (0.15%); highest among the groups gnomAD compares: African/African-American, 2.8%; 30 homozygotes.

Submissions (3):

Labcorp Genetics (formerly Invitae), Labcorp
Classification: Benign. Last evaluated: 2019-12-31. Review status: criteria provided, single submitter. Criteria: Invitae Variant Classification Sherloc (09022015). Collection method: clinical testing. Allele origin: germline.

Breakthrough Genomics
Classification: Benign. Review status: criteria provided, single submitter. Criteria: ACMG Guidelines, 2015. Collection method: not provided. Allele origin: germline. Inheritance: Unknown mechanism. Affected: yes.

PreventionGenetics, part of Exact Sciences
Classification: Benign for SEMA3D-related condition. Last evaluated: 2019-04-01. Review status: no assertion criteria provided. Collection method: clinical testing. Allele origin: germline. Not counted in ClinVar's aggregate classification.
Comment: This variant is classified as benign based on ACMG/AMP sequence variant interpretation guidelines (Richards et al. 2015 PMID: 25741868, with internal and published modifications).

NM_001384900.1(SEMA3D):c.495+5T>C

Gene: SEMA3D (semaphorin 3D; minus strand). Cytogenetic location: 7q21.11.
Variant type: single nucleotide variant.
Coding change: c.495+5T>C on transcript NM_001384900.1 (MANE Select); 5 bases into the intron after coding-DNA position 495, T replaced by C.
Molecular consequence: intron variant.
Genome position (GRCh38, 1-based): chr7:85,072,957, A>G on the plus strand (T>C on the coding strand, the complement: SEMA3D is on the minus strand). VCF-style: chr7-85072957-A-G. GRCh37 (hg19) VCF-style: chr7-84702273-A-G.
Other names: c.495+5T>C (NM_001384901.1, NM_001384903.1, NM_001384902.1 and 1 more transcripts).
Identifiers: ClinVar variation 790600 (VCV000790600.7), dbSNP rs114634487, ClinGen allele CA4323731.
Genomic context (GRCh38, chr7:85,072,957, plus strand): 5'-TCATAGGAATTAAGTAGTAATGTATTACAATAAATTATGCTTTTCATGCTTTTTCATTAT[A>G]TTACCTCCTTGTAGACTCCAAGATCAATATACCCACATATTGGATGAAATGCTCCAGTTC-3'